The following is an entry in ClinVar:

NM_017534.6(MYH2):c.3152G>A (p.Arg1051His)

Genes: MYHAS (myosin heavy chain gene cluster antisense RNA; plus strand), MYH2 (myosin heavy chain 2; minus strand). Cytogenetic location: 17p13.1.
Variant type: single nucleotide variant.
Coding change: c.3152G>A on transcript NM_017534.6 (MANE Select); coding-DNA position 3152, G replaced by A.
Protein change: p.Arg1051His; replaces arginine 1051 with histidine.
Molecular consequence: missense variant.
Genome position (GRCh38, 1-based): chr17:10,529,447, C>T on the plus strand (G>A on the coding strand, the complement: MYH2 is on the minus strand). VCF-style: chr17-10529447-C-T. GRCh37 (hg19) VCF-style: chr17-10432764-C-T.
Other names: c.3152G>A (NM_017534.5); c.3152G>A, p.Arg1051His (NM_001100112.2); short protein forms R1051H.
Identifiers: ClinVar variation 1373820 (VCV001373820.8), dbSNP rs1027280616, ClinGen allele CA287738988.

ClinVar aggregate classification (germline): Uncertain significance. Review status: criteria provided, multiple submitters, no conflicts (2 of 4 stars). 3 submissions from 3 submitters: Uncertain significance (3). Last evaluated 2025-08-29.

Conditions:
Inborn genetic diseases. Identifiers: MedGen C0950123, MeSH D030342.
Myopathy, proximal, and ophthalmoplegia (CMYO6). Also called: CONGENITAL MYOPATHY 6 WITH OPHTHALMOPLEGIA; INCLUSION BODY MYOPATHY 3, AUTOSOMAL DOMINANT; MYOPATHY WITH CONGENITAL JOINT CONTRACTURES, OPHTHALMOPLEGIA, AND RIMMED VACUOLES. Identifiers: Orphanet 363677, Orphanet 79091, MedGen C1854106, MONDO:0011577, OMIM 605637.

Allele frequency attached by ClinVar (database versions not stated): gnomAD exomes 0.00001; gnomAD 0.00003.
gnomAD v4.1: 49 of 1,614,012 alleles (0.003%); highest among the groups gnomAD compares: Non-Finnish European, 0.0037%; no homozygotes.

Submissions (3):

Ambry Genetics
Classification: Uncertain significance for Inborn genetic diseases. Last evaluated: 2025-08-29. Review status: criteria provided, single submitter. Criteria: Ambry Variant Classification Scheme 2023. Collection method: clinical testing. Allele origin: germline.

GeneDx
Classification: Uncertain significance. Last evaluated: 2025-03-21. Review status: criteria provided, single submitter. Criteria: GeneDx Variant Classification Process June 2021. Collection method: clinical testing. Allele origin: germline. Affected: yes.
Comment: Not observed at significant frequency in large population cohorts (gnomAD); In silico analysis supports that this missense variant has a deleterious effect on protein structure/function; Has not been previously published as pathogenic or benign to our knowledge

Labcorp Genetics (formerly Invitae), Labcorp
Classification: Uncertain significance for Myopathy, proximal, and ophthalmoplegia. Last evaluated: 2024-07-12. Review status: criteria provided, single submitter. Criteria: Invitae Variant Classification Sherloc (09022015). Collection method: clinical testing. Allele origin: germline.
Comment: This sequence change replaces arginine, which is basic and polar, with histidine, which is basic and polar, at codon 1051 of the MYH2 protein (p.Arg1051His). This variant is present in population databases (no rsID available, gnomAD 0.003%). This variant has not been reported in the literature in individuals affected with MYH2-related conditions. ClinVar contains an entry for this variant (Variation ID: 1373820). Advanced modeling of protein sequence and biophysical properties (such as structural, functional, and spatial information, amino acid conservation, physicochemical variation, residue mobility, and thermodynamic stability) performed at Invitae indicates that this missense variant is expected to disrupt MYH2 protein function with a positive predictive value of 80%. In summary, the available evidence is currently insufficient to determine the role of this variant in disease. Therefore, it has been classified as a Variant of Uncertain Significance.